The following is an entry in ClinVar:

ClinVar aggregate classification (germline): Pathogenic. Review status: reviewed by expert panel (3 of 4 stars). 8 submissions from 8 submitters: Pathogenic (1). 7 of the submissions do not count toward it. Last evaluated 2017-03-17.

Conditions:
CFTR-related disorder (CFTR-RD). Also called: CFTR-related condition; CFTR-related disorders. Identifiers: MedGen C5924204, MONDO:7770004.
Cystic fibrosis (CF). Also called: MUCOVISCIDOSIS. Identifiers: Orphanet 586, MedGen C0010674, MONDO:0009061, OMIM 219700. Disease mechanism: loss of function.
Congenital bilateral aplasia of vas deferens from CFTR mutation (CBAVD). Identifiers: Orphanet 48, MedGen C0403814, MONDO:0010178, OMIM 277180. Disease mechanism: loss of function.

Allele frequency attached by ClinVar (database versions not stated): gnomAD exomes below 0.00001 and 0.00001; ExAC 0.00001; ESP Exome Variant Server 0.00008.
gnomAD v4.1: 2 of 1,610,140 alleles (0.00012%); highest among the groups gnomAD compares: Non-Finnish European, 0.00017%; no homozygotes.

Submissions (8):

CFTR2
Classification: Pathogenic for Cystic fibrosis. Last evaluated: 2017-03-17. Review status: reviewed by expert panel. Criteria: Sosnay PR et al. (Nat Genet 2013). Collection method: research. Allele origin: germline. Affected: yes. Study: CFTR2.

Blueprint Genetics
Classification: Pathogenic for CFTR-related disorders. Last evaluated: 2023-02-10. Review status: criteria provided, single submitter. Criteria: ACMG Guidelines, 2015. Collection method: clinical testing. Allele origin: germline. Affected: yes. Observed: 1 variant allele. Not counted in ClinVar's aggregate classification.

Institute of Human Genetics, University of Leipzig Medical Center
Classification: Likely pathogenic for Cystic fibrosis. Last evaluated: 2022-09-05. Review status: criteria provided, single submitter. Criteria: ACMG Guidelines, 2015. Collection method: curation. Allele origin: unknown. Affected: yes. Observed: 2 variant alleles. Not counted in ClinVar's aggregate classification.
Comment: This variant was identified in 2 unrelated patients with a clinically confirmed diagnosis of cystic fibrosis. The variant was classified in the context of a project re-classifying variants in the German Cystic Fibrosis Registry (Muko.e.V.). Criteria applied: PM2_SUP, PM3_STR, PP3, PP4

Labcorp Genetics (formerly Invitae), Labcorp
Classification: Pathogenic for Cystic fibrosis. Last evaluated: 2021-02-08. Review status: criteria provided, single submitter. Criteria: Invitae Variant Classification Sherloc (09022015). Collection method: clinical testing. Allele origin: germline. Not counted in ClinVar's aggregate classification.
Comment: For these reasons, this variant has been classified as Pathogenic. Nucleotide substitutions within the consensus splice site are a relatively common cause of aberrant splicing (PMID: 17576681, 9536098). Algorithms developed to predict the effect of sequence changes on RNA splicing suggest that this variant may disrupt the consensus splice site, but this prediction has not been confirmed by published transcriptional studies. This sequence change affects codon 1239 of the CFTR mRNA. It is a 'silent' change, meaning that it does not change the encoded amino acid sequence of the CFTR protein. This variant also falls at the last nucleotide of exon 22, which is part of the consensus splice site for this exon. This variant is present in population databases (rs144781064, ExAC 0.002%). This variant has been observed in individual(s) with cystic fibrosis (PMID: 31523618, 30450785, 1376017). This variant is also known as 3849G>A. ClinVar contains an entry for this variant (Variation ID: 53791).

Mendelics
Classification: Pathogenic for Cystic fibrosis. Last evaluated: 2018-11-05. Review status: criteria provided, single submitter. Criteria: Mendelics Assertion Criteria 2017. Collection method: clinical testing. Allele origin: unknown. Affected: yes. Not counted in ClinVar's aggregate classification.

Juno Genomics, Hangzhou Juno Genomics, Inc
Classification: Likely pathogenic for Congenital bilateral aplasia of vas deferens from CFTR mutation; Cystic fibrosis. Review status: criteria provided, single submitter. Criteria: ACMG Guidelines, 2015. Collection method: clinical testing. Allele origin: germline. Not counted in ClinVar's aggregate classification.
Comment: Absent from controls (or at extremely low frequency if recessive) in Genome Aggregation Database.;Multiple lines of computational evidence support a deleterious effect on the gene or gene product.;For recessive disorders, detected in trans with a pathogenic variant.;Patient's phenotype or family history is highly specific for a disease with a single genetic etiology.

Natera, Inc.
Classification: Pathogenic for Cystic Fibrosis. Last evaluated: 2020-09-16. Review status: no assertion criteria provided. Collection method: clinical testing. Allele origin: germline. Not counted in ClinVar's aggregate classification.

ClinVar Staff, National Center for Biotechnology Information (NCBI)
No classification provided. Condition: CFTR-related disorders. Review status: no classification provided. Collection method: literature only. Allele origin: germline. Affected: yes. Not counted in ClinVar's aggregate classification.

Literature cited by the submitters: PubMed 17576681 (cited by Labcorp Genetics (formerly Invitae), Labcorp); PubMed 9536098 (cited by Labcorp Genetics (formerly Invitae), Labcorp); PubMed 31523618 (cited by Labcorp Genetics (formerly Invitae), Labcorp); PubMed 30450785 (cited by Labcorp Genetics (formerly Invitae), Labcorp); PubMed 1376017 (cited by Labcorp Genetics (formerly Invitae), Labcorp); PubMed 9788722 (cited by ClinVar Staff, National Center for Biotechnology Information (NCBI)).

NM_000492.4(CFTR):c.3717G>A (p.Arg1239=)

Genes: CFTR (CF transmembrane conductance regulator; plus strand), CFTR-AS2 (CFTR antisense RNA 2; minus strand). Cytogenetic location: 7q31.2.
Variant type: single nucleotide variant.
Coding change: c.3717G>A on transcript NM_000492.4 (MANE Select); coding-DNA position 3717, G replaced by A.
Protein change: p.Arg1239=; no amino-acid change (arginine 1239 retained).
Molecular consequence: synonymous variant.
Genome position (GRCh38, 1-based): chr7:117,627,770, G>A. VCF-style: chr7-117627770-G-A. GRCh37 (hg19) VCF-style: chr7-117267824-G-A.
Other names: 3849G->A.
Identifiers: ClinVar variation 53791 (VCV000053791.14), dbSNP rs144781064, ClinGen allele CA327257.